The following is an entry in ClinVar:

NC_000012.11:g.(?_114823261)_(114823392_?)del

Gene: TBX5 (T-box transcription factor 5; minus strand). Cytogenetic location: 12q24.21.
Variant type: Deletion.
Identifiers: ClinVar variation 1457204 (VCV001457204.1).

ClinVar aggregate classification (germline): Pathogenic (1 of 4 stars; one submission).

Conditions:
Aortic valve disease 2 (AOVD2). Identifiers: MedGen C3542024, MONDO:0013902, OMIM 614823.

Submission:

Labcorp Genetics (formerly Invitae), Labcorp
Classification: Pathogenic for Aortic valve disease 2. Last evaluated: 2021-08-31. Review status: criteria provided, single submitter. Criteria: Invitae Variant Classification Sherloc (09022015). Collection method: clinical testing. Allele origin: germline.
Comment: This variant is a gross deletion of the genomic region encompassing exon(s) 7 of the TBX5 gene. This deletion is out-of-frame, and is expected to create a premature termination codon and result in an absent or disrupted protein product. Loss-of-function variants in TBX5 are known to be pathogenic (PMID: 16183809, 16917909). A similar copy number variant has been observed in individual(s) with Holt-Oram syndrome (PMID: 30552424). For these reasons, this variant has been classified as Pathogenic.

Literature cited by the submitters: PubMed 16183809; PubMed 16917909; PubMed 30552424.